The following is an entry in ClinVar:

NM_172362.3(KCNH1):c.1655C>T (p.Thr552Ile)

Gene: KCNH1 (potassium voltage-gated channel subfamily H member 1; minus strand). Cytogenetic location: 1q32.2.
Variant type: single nucleotide variant.
Coding change: c.1655C>T on transcript NM_172362.3 (MANE Select); coding-DNA position 1655, C replaced by T.
Protein change: p.Thr552Ile; replaces threonine 552 with isoleucine.
Molecular consequence: missense variant.
Genome position (GRCh38, 1-based): chr1:210,803,974, G>A on the plus strand (C>T on the coding strand, the complement: KCNH1 is on the minus strand). VCF-style: chr1-210803974-G-A. GRCh37 (hg19) VCF-style: chr1-210977316-G-A.
Other names: c.1574C>T, p.Thr525Ile (NM_002238.4); short protein forms T525I, T552I.
Identifiers: ClinVar variation 3765919 (VCV003765919.1).

ClinVar aggregate classification (germline): Uncertain significance (1 of 4 stars; one submission).

Submission:

GeneDx
Classification: Uncertain significance. Last evaluated: 2024-08-28. Review status: criteria provided, single submitter. Criteria: GeneDx Variant Classification Process June 2021. Collection method: clinical testing. Allele origin: germline. Affected: yes.
Comment: Not observed at significant frequency in large population cohorts (gnomAD); In silico analysis supports that this missense variant has a deleterious effect on protein structure/function; Has not been previously published as pathogenic or benign to our knowledge